The following is an entry in ClinVar:

ClinVar aggregate classification (germline): Uncertain significance (1 of 4 stars; one submission).

Submission:

Labcorp Genetics (formerly Invitae), Labcorp
Classification: Uncertain significance. Last evaluated: 2023-09-14. Review status: criteria provided, single submitter. Criteria: Invitae Variant Classification Sherloc (09022015). Collection method: clinical testing. Allele origin: germline.
Comment: Advanced modeling of protein sequence and biophysical properties (such as structural, functional, and spatial information, amino acid conservation, physicochemical variation, residue mobility, and thermodynamic stability) performed at Invitae indicates that this missense variant is not expected to disrupt OPA1 protein function. In summary, the available evidence is currently insufficient to determine the role of this variant in disease. Therefore, it has been classified as a Variant of Uncertain Significance. This variant has not been reported in the literature in individuals affected with OPA1-related conditions. This sequence change replaces valine, which is neutral and non-polar, with glycine, which is neutral and non-polar, at codon 13 of the OPA1 protein (p.Val13Gly). This variant is not present in population databases (gnomAD no frequency).

NM_130837.3(OPA1):c.38T>G (p.Val13Gly)

Gene: OPA1 (OPA1 mitochondrial dynamin like GTPase; plus strand). Cytogenetic location: 3q29.
Variant type: single nucleotide variant.
Coding change: c.38T>G on transcript NM_130837.3 (MANE Select); coding-DNA position 38, T replaced by G.
Protein change: p.Val13Gly; replaces valine 13 with glycine.
Molecular consequence: missense variant. On other transcripts: 5 prime UTR variant (2).
Genome position (GRCh38, 1-based): chr3:193,614,728, T>G. VCF-style: chr3-193614728-T-G. GRCh37 (hg19) VCF-style: chr3-193332517-T-G.
Other names: c.-335T>G (NM_001354663.2, NM_001354664.2); c.38T>G, p.Val13Gly (NM_015560.3, NM_130831.3, NM_130832.3 and 4 more transcripts); short protein forms V13G.
Identifiers: ClinVar variation 2840255 (VCV002840255.3), dbSNP rs1728753452, ClinGen allele CA355786371.